The following is an entry in ClinVar:

NM_003060.4(SLC22A5):c.1412G>T (p.Arg471Leu)

Gene: SLC22A5 (solute carrier family 22 member 5; plus strand). Cytogenetic location: 5q31.1.
Variant type: single nucleotide variant.
Coding change: c.1412G>T on transcript NM_003060.4 (MANE Select); coding-DNA position 1412, G replaced by T.
Protein change: p.Arg471Leu; replaces arginine 471 with leucine.
Molecular consequence: missense variant.
Genome position (GRCh38, 1-based): chr5:132,392,577, G>T. VCF-style: chr5-132392577-G-T. GRCh37 (hg19) VCF-style: chr5-131728269-G-T.
Other names: p.Arg471Leu; c.1484G>T, p.Arg495Leu (NM_001308122.2); short protein forms R471L, R495L.
Identifiers: ClinVar variation 956437 (VCV000956437.13), dbSNP rs386134223, ClinGen allele CA3404151.

ClinVar aggregate classification (germline): Likely pathogenic. Review status: criteria provided, multiple submitters, no conflicts (2 of 4 stars). 4 submissions from 4 submitters: Likely pathogenic (4). Last evaluated 2025-10-27.

Conditions:
Renal carnitine transport defect (CDSP). Also called: Systemic primary carnitine deficiency disease; Primary carnitine deficiency; Carnitine transporter deficiency; Carnitine Deficiency, Systemic; CARNITINE DEFICIENCY, SYSTEMIC, DUE TO DEFECT IN RENAL REABSORPTION OF CARNITINE; CARNITINE TRANSPORTER, PLASMA-MEMBRANE, DEFICIENCY OF. Identifiers: Orphanet 158, MedGen C0342788, MONDO:0008919, OMIM 212140.
Carnitine deficiency. Identifiers: MedGen C1142132.

Allele frequency attached by ClinVar (database versions not stated): gnomAD exomes below 0.00001; ExAC 0.00001; gnomAD 0.00001; TOPMed 0.00001.
gnomAD v4.1: 3 of 1,614,056 alleles (0.00019%); highest among the groups gnomAD compares: African/African-American, 0.004%; no homozygotes.

Submissions (4):

Labcorp Genetics (formerly Invitae), Labcorp
Classification: Likely pathogenic for Renal carnitine transport defect. Last evaluated: 2025-10-27. Review status: criteria provided, single submitter. Criteria: Invitae Variant Classification Sherloc (09022015). Collection method: clinical testing. Allele origin: germline.
Comment: This sequence change replaces arginine, which is basic and polar, with leucine, which is neutral and non-polar, at codon 471 of the SLC22A5 protein (p.Arg471Leu). This variant is present in population databases (rs386134223, gnomAD 0.007%). This variant has not been reported in the literature in individuals affected with SLC22A5-related conditions. ClinVar contains an entry for this variant (Variation ID: 956437). Invitae Evidence Modeling of protein sequence and biophysical properties (such as structural, functional, and spatial information, amino acid conservation, physicochemical variation, residue mobility, and thermodynamic stability) indicates that this missense variant is expected to disrupt SLC22A5 protein function with a positive predictive value of 95%. This variant disrupts the p.Arg471 amino acid residue in SLC22A5. Other variant(s) that disrupt this residue have been determined to be pathogenic (PMID: 14605509, 25132046). This suggests that this residue is clinically significant, and that variants that disrupt this residue are likely to be disease-causing. In summary, the currently available evidence indicates that the variant is pathogenic, but additional data are needed to prove that conclusively. Therefore, this variant has been classified as Likely Pathogenic.

Natera, Inc.
Classification: Likely pathogenic for Carnitine deficiency. Last evaluated: 2025-08-15. Review status: criteria provided, single submitter. Criteria: Natera Variant Classification Schema (03/2026). Collection method: clinical testing. Allele origin: germline.
Comment: The c.1412G>T variant in SLC22A5 is a missense variant predicted to cause substitution of arginine to leucine at amino acid 471. This variant is rare in the general population with a frequency below the threshold expected for the associated phenotype(s). Functional studies show that this variant may disrupt protein function (PMID: 36343260). A different variant at the same position has been determined to be Pathogenic or Likely Pathogenic. Computational prediction algorithms indicate this variant is likely to affect gene or protein function. Given the available evidence, this variant is classified as Likely Pathogenic.

GeneDx
Classification: Likely pathogenic. Last evaluated: 2025-03-05. Review status: criteria provided, single submitter. Criteria: GeneDx Variant Classification Process June 2021. Collection method: clinical testing. Allele origin: germline. Affected: yes.
Comment: Not observed at significant frequency in large population cohorts (gnomAD); In silico analysis supports that this missense variant has a deleterious effect on protein structure/function; Has not been previously published as pathogenic or benign to our knowledge; This variant is associated with the following publications: (PMID: 25132046, 14605509, 21922592, 28841266, Sun2024[preprint])

Giacomini Lab, University of California, San Francisco
Classification: Likely pathogenic for Renal carnitine transport defect. Last evaluated: 2022-10-03. Review status: criteria provided, single submitter. Criteria: ACMG Guidelines, 2015. Collection method: research, in vitro. Allele origin: germline, not applicable.

Literature cited by the submitters: PubMed 14605509 (cited by Labcorp Genetics (formerly Invitae), Labcorp); PubMed 25132046 (cited by Labcorp Genetics (formerly Invitae), Labcorp); PubMed 36343260 (cited by Natera, Inc.).